The following is an entry in ClinVar:

NM_000257.4(MYH7):c.5156A>G (p.Gln1719Arg)

Genes: MHRT (myosin heavy chain associated RNA transcript; plus strand), MYH7 (myosin heavy chain 7; minus strand), LOC126861897 (BRD4-independent group 4 enhancer GRCh37_chr14:23884455-23885654; plus strand). Cytogenetic location: 14q11.2.
Variant type: single nucleotide variant.
Coding change: c.5156A>G on transcript NM_000257.4 (MANE Select); coding-DNA position 5156, A replaced by G.
Protein change: p.Gln1719Arg; replaces glutamine 1719 with arginine.
Molecular consequence: missense variant. On other transcripts: non-coding transcript variant (1).
Genome position (GRCh38, 1-based): chr14:23,415,630, T>C on the plus strand (A>G on the coding strand, the complement: MYH7 is on the minus strand). VCF-style: chr14-23415630-T-C. GRCh37 (hg19) VCF-style: chr14-23884839-T-C.
Other names: short protein forms Q1719R.
Identifiers: ClinVar variation 177922 (VCV000177922.17), dbSNP rs727504403, ClinGen allele CA015743.

ClinVar aggregate classification (germline): Uncertain significance. Review status: criteria provided, multiple submitters, no conflicts (2 of 4 stars). 6 submissions from 6 submitters: Uncertain significance (6). Last evaluated 2026-01-05.

Conditions:
Cardiovascular phenotype. Identifiers: MedGen CN230736.
Cardiomyopathy (CMYO). Also called: Cardiomyopathies. Identifiers: Orphanet 167848, MedGen C0878544, MONDO:0004994, HP:0001638. Inheritance: Various modes of inheritance.
Hypertrophic cardiomyopathy 1 (CMH1). Also called: MYH7-Related Familial Hypertrophic Cardiomyopathy; Familial hypertrophic cardiomyopathy 1. Identifiers: MedGen C3495498, MONDO:0008647, OMIM 192600.
Hypertrophic cardiomyopathy. Also called: HYPERTROPHIC MYOCARDIOPATHY. Identifiers: Orphanet 217569, MedGen C0007194, MeSH D002312, MONDO:0005045, HP:0001639.

Allele frequency attached by ClinVar (database versions not stated): gnomAD exomes below 0.00001.
gnomAD v4.1: 1 of 1,613,774 alleles (0.000062%); highest among the groups gnomAD compares: Non-Finnish European, 0.000085%; no homozygotes.

Submissions (6):

Ambry Genetics
Classification: Uncertain significance for Cardiovascular phenotype. Last evaluated: 2026-01-05. Review status: criteria provided, single submitter. Criteria: Ambry Variant Classification Scheme 2023. Collection method: clinical testing. Allele origin: germline.
Comment: The p.Q1719R variant (also known as c.5156A>G), located in coding exon 33 of the MYH7 gene, results from an A to G substitution at nucleotide position 5156. The glutamine at codon 1719 is replaced by arginine, an amino acid with highly similar properties. This variant was reported in individual(s) with features consistent with hypertrophic cardiomyopathy (HCM) (Walsh R et al. Genet Med, 2017 Feb;19:192-203; Ho CY et al. Circulation, 2018 Oct;138:1387-1398; Harper AR et al. Nat Genet, 2021 Feb;53:135-142; Ambry internal data). This amino acid position is highly conserved in available vertebrate species. In addition, the in silico prediction for this alteration is inconclusive. Based on the available evidence, the clinical significance of this variant remains unclear.

Labcorp Genetics (formerly Invitae), Labcorp
Classification: Uncertain significance for Hypertrophic cardiomyopathy. Last evaluated: 2025-12-20. Review status: criteria provided, single submitter. Criteria: Invitae Variant Classification Sherloc (09022015). Collection method: clinical testing. Allele origin: germline.
Comment: This sequence change replaces glutamine, which is neutral and polar, with arginine, which is basic and polar, at codon 1719 of the MYH7 protein (p.Gln1719Arg). This variant is not present in population databases (gnomAD no frequency). This missense change has been observed in individual(s) with hypertrophic cardiomyopathy (PMID: 27247418, 27532257). ClinVar contains an entry for this variant (Variation ID: 177922). An algorithm developed to predict the effect of missense changes on protein structure and function (PolyPhen-2) suggests that this variant is likely to be disruptive. In summary, the available evidence is currently insufficient to determine the role of this variant in disease. Therefore, it has been classified as a Variant of Uncertain Significance.

GeneDx
Classification: Uncertain significance. Last evaluated: 2024-05-29. Review status: criteria provided, single submitter. Criteria: GeneDx Variant Classification Process June 2021. Collection method: clinical testing. Allele origin: germline. Affected: yes.
Comment: Not observed at significant frequency in large population cohorts (gnomAD); In silico analysis supports that this missense variant has a deleterious effect on protein structure/function; This variant is associated with the following publications: (PMID: 27247418, 27532257, 37652022, 29687901)

All of Us Research Program, National Institutes of Health
Classification: Uncertain significance for Cardiomyopathy. Last evaluated: 2023-03-04. Review status: criteria provided, single submitter. Criteria: ACMG Guidelines, 2015. Collection method: clinical testing. Allele origin: germline. Inheritance: Autosomal dominant inheritance. Observed: 1 variant allele, 1 heterozygote.
Comment: This study involves interpretation of variants in research participants for the purpose of population health screening. Participant phenotype was not available at the time of variant classification. Additional details can be found in publication PMID: 35346344, PMCID: PMC8962531

Victorian Clinical Genetics Services, Murdoch Childrens Research Institute
Classification: Uncertain significance for Hypertrophic cardiomyopathy 1. Last evaluated: 2022-02-02. Review status: criteria provided, single submitter. Criteria: ACMG Guidelines, 2015. Collection method: clinical testing. Allele origin: germline. Inheritance: Autosomal dominant inheritance. Affected: yes.
Comment: Based on the classification scheme VCGS_Germline_v1.3.4, this variant is classified as VUS-3A. Following criteria are met: 0105 - The mechanism of disease for this gene is not clearly established, however, missense variants have been proposed to act in a dominant negative manner (PMID: 24714796). (I) 0108 - This gene is associated with both recessive and dominant disease. Pathogenic variants in this gene are usually heterozygous, however a recessive inheritance pattern has been observed in severe cases (OMIM). (I) 0112 - The condition associated with this gene has incomplete penetrance (PMID: 29300372). (I) 0200 - Variant is predicted to result in a missense amino acid change from glutamine to arginine. (I) 0251 - This variant is heterozygous. (I) 0301 - Variant is absent from gnomAD (both v2 and v3). (SP) 0502 - Missense variant with conflicting in silico predictions and uninformative conservation. (I) 0600 - Variant is located in the annotated myosin tail domain (Decipher). (I) 0705 - No comparable missense variants have previous evidence for pathogenicity. (I) 0803 - This variant has limited previous evidence of pathogenicity in unrelated individuals. This variant has been previously reported in one HCM proband and an affected relative (PMID: 27247418). (SP) 0905 - No published segregation evidence has been identified for this variant. (I) 1007 - No published functional evidence has been identified for this variant. (I) 1208 - Inheritance information for this variant is not currently available in this individual. (I) Legend: (SP) - Supporting pathogenic, (I) - Information, (SB) - Supporting benign

Laboratory for Molecular Medicine, Mass General Brigham Personalized Medicine
Classification: Uncertain significance. Last evaluated: 2019-01-31. Review status: criteria provided, single submitter. Criteria: LMM Criteria. Collection method: clinical testing. Allele origin: germline. Observed: 2 variant alleles.
Comment: It was absent from large population studies. Computational prediction tools and conservation analysis do not provide strong support for or against an impact to the protein. In summary, the clinical significance of the p.Gln1719Arg variant is uncertain. ACMG/AMP Criteria applied: PM2.

Literature cited by the submitters: PubMed 27532257 (cited by 3 submitters); PubMed 30297972 (cited by Ambry Genetics); PubMed 33495597 (cited by Ambry Genetics); PubMed 27247418 (cited by Labcorp Genetics (formerly Invitae), Labcorp and Victorian Clinical Genetics Services, Murdoch Childrens Research Institute); PubMed 24714796 (cited by Victorian Clinical Genetics Services, Murdoch Childrens Research Institute); PubMed 29300372 (cited by Victorian Clinical Genetics Services, Murdoch Childrens Research Institute).